The following continues an entry in ClinVar:

NM_000138.5(FBN1):c.1090C>T (p.Arg364Ter)

ClinVar aggregate classification (germline): Pathogenic/Likely pathogenic. Pathogenic (16); Likely pathogenic (1).

Submissions 12 to 19 of 19:

Women's Health and Genetics/Laboratory Corporation of America, LabCorp
Classification: Pathogenic for Marfan Syndrome/Loeys-Dietz Syndrome/Familial Thoracic Aortic Aneurysms and Dissections. Last evaluated: 2020-03-11. Review status: criteria provided, single submitter. Criteria: LabCorp Variant Classification Summary - May 2015. Collection method: clinical testing. Allele origin: germline.
Comment: Variant summary: FBN1 c.1090C>T (p.Arg364X) results in a premature termination codon, predicted to cause a truncation of the encoded protein or absence of the protein due to nonsense mediated decay, which are commonly known mechanisms for disease. Truncations downstream of this position have been classified as pathogenic by our laboratory. The variant was absent in 251536 control chromosomes(gnomAD). c.1090C>T has been reported in the literature in multiple individuals affected with Marfan Syndrome (e.g. Collod-Beroud_2003, Weerakkody_2018). These data indicate that the variant is very likely to be associated with disease. To our knowledge, no experimental evidence demonstrating an impact on protein function has been reported. Six ClinVar submitters (evaluation after 2014) cite the variant as pathogenic. Based on the evidence outlined above, the variant was classified as pathogenic.

Mayo Clinic Laboratories, Mayo Clinic
Classification: Pathogenic. Last evaluated: 2019-09-23. Review status: criteria provided, single submitter. Criteria: ACMG Guidelines, 2015. Collection method: clinical testing. Allele origin: germline. Observed: 1 variant allele.
Comment: PVS1, PS4_moderate, PM2, PP1

ARUP Laboratories, Molecular Genetics and Genomics, ARUP Laboratories
Classification: Pathogenic. Last evaluated: 2019-05-25. Review status: criteria provided, single submitter. Criteria: ARUP Molecular Germline Variant Investigation Process. Collection method: clinical testing. Allele origin: germline.
Comment: The FBN1 c.1090C>T; p.Arg364Ter variant (rs794728165) is reported in the literature in multiple individuals affected with suspected Marfan syndrome (Baudhuin 2015, Collod-Beroud 2003, Comeglio 2007, Stheneur 2009, Tan 2017, Tjeldhorn 2006, Weerakkody 2018). This variant is reported as pathogenic by multiple laboratories in ClinVar (Variation ID: 199963), and is absent from general population databases (Exome Variant Server, Genome Aggregation Database), indicating it is not a common polymorphism. This variant induces an early termination codon and is predicted to result in a truncated protein or mRNA subject to nonsense-mediated decay. Based on available information, this variant is considered to be pathogenic. References: Baudhuin L et al. Decreased frequency of FBN1 missense variants in Ghent criteria-positive Marfan syndrome and characterization of novel FBN1 variants. J Hum Genet. 2015 60(5):241-52. Collod-Beroud G et al. Update of the UMD-FBN1 mutation database and creation of an FBN1 polymorphism database. Hum Mutat. 2003 22(3):199-208. Comeglio P et al. The importance of mutation detection in Marfan syndrome and Marfan-related disorders: report of 193 FBN1 mutations. Hum Mutat. 2007 28(9):928. Stheneur C et al. Identification of the minimal combination of clinical features in probands for efficient mutation detection in the FBN1 gene. Eur J Hum Genet. 2009 17(9):1121-8 Tan L et al. FBN1 mutations largely contribute to sporadic non-syndromic aortic dissection. Hum Mol Genet. 2017 Dec 15;26(24):4814-4822. Tjeldhorn L et al. Rapid and efficient FBN1 mutation detection using automated sample preparation and direct sequencing as the primary strategy. Genet Test. 2006 10(4):258-64. Weerakkody R et al. Targeted genetic analysis in a large cohort of familial and sporadic cases of aneurysm or dissection of the thoracic aorta. Genet Med. 2018 Nov;20(11):1414-1422.

Laboratory for Molecular Medicine, Mass General Brigham Personalized Medicine
Classification: Pathogenic for Marfan syndrome. Last evaluated: 2019-04-16. Review status: criteria provided, single submitter. Criteria: ACMG Guidelines, 2015. Collection method: clinical testing. Allele origin: germline. Inheritance: Autosomal dominant inheritance.
Comment: The p.Arg364X variant in FBN1 has been reported in at least 7 individuals with features of Marfan syndrome and segregated with disease in 2 affected individuals from 1 family (Collod-Béroud 2003, Comeglio 2007, Rand-Hendriksen 2007, Stheneur 2009, Baudhuin 2015, Tan 2017, Weerakkody 2018). It was absent from large population studies. This variant has also been reported in ClinVar (Variation ID 199963). This nonsense variant leads to a premature termination codon at position 364, which is predicted to lead to a truncated or absent protein. Loss of function of the FBN1 gene is an established disease mechanism in autosomal dominant Marfan syndrome. In summary, this variant meets criteria to be classified as pathogenic for autosomal dominant Marfan syndrome. ACMG/AMP Criteria applied: PVS1, PS4, PM2.

Department of Vascular Biology, Beijing Anzhen Hospital
Classification: Likely pathogenic for Isolated thoracic aortic aneurysm. Last evaluated: 2018-09-01. Review status: criteria provided, single submitter. Criteria: ACMG Guidelines, 2015. Collection method: research. Allele origin: germline. Affected: yes.

Center for Human Genetics, Inc
Classification: Pathogenic for Marfan syndrome. Last evaluated: 2016-11-01. Review status: criteria provided, single submitter. Criteria: ACMG Guidelines, 2015. Collection method: clinical testing. Allele origin: germline. Affected: yes.

Center for Medical Genetics Ghent, University of Ghent
Classification: Pathogenic for Marfan syndrome. Last evaluated: 2017-11-07. Review status: no assertion criteria provided. Collection method: clinical testing. Allele origin: germline. Affected: yes. Not counted in ClinVar's aggregate classification.

Centre for Genomic and Experimental Medicine, University of Edinburgh
Classification: Pathogenic for Familial thoracic aortic aneurysm and aortic dissection. Review status: no assertion criteria provided. Collection method: research. Allele origin: unknown. Affected: yes. Not counted in ClinVar's aggregate classification.

Literature cited by the submitters: PubMed 12938084 (cited by 6 submitters); PubMed 17657824 (cited by 3 submitters); PubMed 19293843 (cited by 4 submitters); PubMed 17663468 (cited by 5 submitters); PubMed 25652356 (cited by 3 submitters); PubMed 20301510 (cited by Victorian Clinical Genetics Services, Murdoch Childrens Research Institute); PubMed 27274304 (cited by Victorian Clinical Genetics Services, Murdoch Childrens Research Institute); PubMed 29357934 (cited by Victorian Clinical Genetics Services, Murdoch Childrens Research Institute); PubMed 31950671 (cited by Victorian Clinical Genetics Services, Murdoch Childrens Research Institute); PubMed 17253931 (cited by Women's Health and Genetics/Laboratory Corporation of America, LabCorp); PubMed 29543232 (cited by Women's Health and Genetics/Laboratory Corporation of America, LabCorp and Laboratory for Molecular Medicine, Mass General Brigham Personalized Medicine); PubMed 28973303 (cited by Mayo Clinic Laboratories, Mayo Clinic and Laboratory for Molecular Medicine, Mass General Brigham Personalized Medicine); PubMed 30341550 (cited by Mayo Clinic Laboratories, Mayo Clinic and Laboratory for Molecular Medicine, Mass General Brigham Personalized Medicine).